The following is an entry in ClinVar:

NM_000439.5(PCSK1):c.328C>T (p.Arg110Cys)

Genes: CAST (calpastatin; plus strand), PCSK1 (proprotein convertase subtilisin/kexin type 1; minus strand), LOC101929710 (uncharacterized LOC101929710; plus strand). Cytogenetic location: 5q15.
Variant type: single nucleotide variant.
Coding change: c.328C>T on transcript NM_000439.5 (MANE Select); coding-DNA position 328, C replaced by T.
Protein change: p.Arg110Cys; replaces arginine 110 with cysteine.
Molecular consequence: missense variant. On other transcripts: intron variant (11).
Genome position (GRCh38, 1-based): chr5:96,425,888, G>A on the plus strand (C>T on the coding strand, the complement: PCSK1 is on the minus strand). VCF-style: chr5-96425888-G-A. GRCh37 (hg19) VCF-style: chr5-95761592-G-A.
Other names: c.187C>T, p.Arg63Cys (NM_001177875.2); c.-175+46236G>A (NM_001423254.1, NM_001423259.1, NM_001423255.1 and 6 more transcripts); c.-103+46236G>A (NM_001423253.1); c.-40+46236G>A (NM_001423258.1); short protein forms R110C, R63C.
Identifiers: ClinVar variation 3357079 (VCV003357079.1).

ClinVar aggregate classification (germline): Uncertain significance (0 of 4 stars; one submission).

Conditions:
PCSK1-related disorder. Also called: PCSK1-related condition.

gnomAD v4.1: 11 of 1,612,514 alleles (0.00068%); highest among the groups gnomAD compares: Non-Finnish European, 0.00093%; no homozygotes.

Submission:

PreventionGenetics, part of Exact Sciences
Classification: Uncertain significance for PCSK1-related condition. Last evaluated: 2024-08-05. Review status: no assertion criteria provided. Collection method: clinical testing. Allele origin: germline.
Comment: The PCSK1 c.328C>T variant is predicted to result in the amino acid substitution p.Arg110Cys. This variant has been reported in an individual with obesity (Table S1, Kleinendorst et al. 2018. PubMed ID: 29970488), and identified in a cohort of individuals with history of Roux-en-Y gastric bypass (Campos et al. 2022. PubMed ID: 35654930). This variant was also observed in a cohort of obese individuals, and in vitro functional studies show evidence of loss of function (Supplemental Data Set, Shah et al. 2023, PubMed ID: 36864747). This variant is reported in 0.0026% of alleles in individuals of European (non-Finnish) descent in gnomAD. Although we suspect that this variant may be pathogenic, at this time, the clinical significance of this variant is uncertain due to the absence of conclusive functional and genetic evidence.